The following is an entry in ClinVar:

NM_000282.4(PCCA):c.19G>C (p.Gly7Arg)

Gene: PCCA (propionyl-CoA carboxylase subunit alpha; plus strand). Cytogenetic location: 13q32.3.
Variant type: single nucleotide variant.
Coding change: c.19G>C on transcript NM_000282.4 (MANE Select); coding-DNA position 19, G replaced by C.
Protein change: p.Gly7Arg; replaces glycine 7 with arginine.
Molecular consequence: missense variant. On other transcripts: 5 prime UTR variant (3), non-coding transcript variant (5).
Genome position (GRCh38, 1-based): chr13:100,089,139, G>C. VCF-style: chr13-100089139-G-C. GRCh37 (hg19) VCF-style: chr13-100741393-G-C.
Other names: c.19G>C, p.Gly7Arg (NM_001127692.3, NM_001178004.2, NM_001352605.2 and 4 more transcripts); c.-848G>C (NM_001352610.2, NM_001352611.2, NM_001352612.2); short protein forms G7R.
Identifiers: ClinVar variation 2144670 (VCV002144670.1), dbSNP rs1224457663, ClinGen allele CA388692613.

ClinVar aggregate classification (germline): Uncertain significance (1 of 4 stars; one submission).

Conditions:
Propionic acidemia (PROP). Also called: GLYCINEMIA, KETOTIC; HYPERGLYCINEMIA WITH KETOACIDOSIS AND LEUKOPENIA; KETOTIC HYPERGLYCINEMIA. Identifiers: Orphanet 35, MedGen C0268579, MONDO:0011628, OMIM 606054, HP:0003571.

Allele frequency attached by ClinVar (database versions not stated): gnomAD 0.00002; TOPMed 0.00005.
gnomAD v4.1: 65 of 1,511,550 alleles (0.0043%); highest among the groups gnomAD compares: East Asian, 0.14%; 1 homozygote.

Submission:

Labcorp Genetics (formerly Invitae), Labcorp
Classification: Uncertain significance for Propionic acidemia. Last evaluated: 2022-07-24. Review status: criteria provided, single submitter. Criteria: Invitae Variant Classification Sherloc (09022015). Collection method: clinical testing. Allele origin: germline.
Comment: This sequence change replaces glycine, which is neutral and non-polar, with arginine, which is basic and polar, at codon 7 of the PCCA protein (p.Gly7Arg). The frequency data for this variant in the population databases is considered unreliable, as metrics indicate poor data quality at this position in the gnomAD database. This variant has not been reported in the literature in individuals affected with PCCA-related conditions. Advanced modeling of protein sequence and biophysical properties (such as structural, functional, and spatial information, amino acid conservation, physicochemical variation, residue mobility, and thermodynamic stability) performed at Invitae indicates that this missense variant is not expected to disrupt PCCA protein function. In summary, the available evidence is currently insufficient to determine the role of this variant in disease. Therefore, it has been classified as a Variant of Uncertain Significance.